The following is an entry in ClinVar:

NC_000010.11:g.(?_14945095)_(14945199_?)del

Gene: DCLRE1C (DNA cross-link repair 1C; minus strand). Cytogenetic location: 10p13.
Variant type: Deletion.
Identifiers: ClinVar variation 831845 (VCV000831845.5).

ClinVar aggregate classification (germline): Pathogenic (1 of 4 stars; one submission).

Conditions:
Severe combined immunodeficiency due to DCLRE1C deficiency (RS-SCID). Also called: SCID, AUTOSOMAL RECESSIVE, T CELL-NEGATIVE, B CELL-NEGATIVE, NK CELL-POSITIVE, WITH SENSITIVITY TO IONIZING RADIATION. Identifiers: Orphanet 275, MedGen C1865371, MONDO:0011225, OMIM 602450.

Submission:

Labcorp Genetics (formerly Invitae), Labcorp
Classification: Pathogenic for Athabaskan severe combined immunodeficiency. Last evaluated: 2021-12-24. Review status: criteria provided, single submitter. Criteria: Invitae Variant Classification Sherloc (09022015). Collection method: clinical testing. Allele origin: germline.
Comment: This variant is a gross deletion of the genomic region encompassing exon(s) 3 of the DCLRE1C gene. This deletion is out-of-frame, and is expected to create a premature termination codon and result in an absent or disrupted protein product. Loss-of-function variants in DCLRE1C are known to be pathogenic (PMID: 21664875, 26123418). A similar copy number variant has been observed in individual(s) with severe combined immunodeficiency (PMID: 12592555). For these reasons, this variant has been classified as Pathogenic.

Literature cited by the submitters: PubMed 21664875; PubMed 26123418; PubMed 12592555.